The following is an entry in ClinVar:

NM_016616.5(NME8):c.1579A>G (p.Asn527Asp)

Gene: NME8 (NME/NM23 family member 8; plus strand). Cytogenetic location: 7p14.1.
Variant type: single nucleotide variant.
Coding change: c.1579A>G on transcript NM_016616.5 (MANE Select); coding-DNA position 1579, A replaced by G.
Protein change: p.Asn527Asp; replaces asparagine 527 with aspartic acid.
Molecular consequence: missense variant.
Genome position (GRCh38, 1-based): chr7:37,896,904, A>G. VCF-style: chr7-37896904-A-G. GRCh37 (hg19) VCF-style: chr7-37936506-A-G.
Other names: short protein forms N527D.
Identifiers: ClinVar variation 570782 (VCV000570782.8), dbSNP rs1390857036, ClinGen allele CA367217378.
Genomic context (GRCh38, chr7:37,896,904, plus strand): 5'-TCTTCTGAAAGCACCGTTCTTTGCAGGGGTCCATCTATGGTCATGATTCTGACCAAGTGG[A>G]ATGCTGTTGCAGAATGGAGACGATTGATGGGCCCAACAGACCCAGAAGAAGCAAAATTAC-3'
Protein context (NP_057700.3, residues 517-537): PSMVMILTKW[Asn527Asp]AVAEWRRLMG

ClinVar aggregate classification (germline): Uncertain significance (1 of 4 stars; one submission).

Conditions:
Primary ciliary dyskinesia 6. Also called: Primary Ciliary Dyskinesia 6: TXNDC3-Related Primary Ciliary Dyskinesia. Identifiers: Orphanet 244, MedGen C1970506, MONDO:0012571, OMIM 610852.

Submission:

Labcorp Genetics (formerly Invitae), Labcorp
Classification: Uncertain significance for Primary ciliary dyskinesia 6. Last evaluated: 2018-06-26. Review status: criteria provided, single submitter. Criteria: Invitae Variant Classification Sherloc (09022015). Collection method: clinical testing. Allele origin: germline.
Comment: Algorithms developed to predict the effect of missense changes on protein structure and function are either unavailable or do not agree on the potential impact of this missense change (SIFT: "Tolerated"; PolyPhen-2: "Probably Damaging"; Align-GVGD: "Class C0"). In summary, the available evidence is currently insufficient to determine the role of this variant in disease. Therefore, it has been classified as a Variant of Uncertain Significance. This sequence change replaces asparagine with aspartic acid at codon 527 of the NME8 protein (p.Asn527Asp). The asparagine residue is moderately conserved and there is a small physicochemical difference between asparagine and aspartic acid. This variant is not present in population databases (ExAC no frequency). This variant has not been reported in the literature in individuals with NME8-related disease.